The following is an entry in ClinVar:

NM_000057.4(BLM):c.3237C>A (p.Asp1079Glu)

Gene: BLM (BLM RecQ like helicase; plus strand). Cytogenetic location: 15q26.1.
Variant type: single nucleotide variant.
Coding change: c.3237C>A on transcript NM_000057.4 (MANE Select); coding-DNA position 3237, C replaced by A.
Protein change: p.Asp1079Glu; replaces aspartic acid 1079 with glutamic acid.
Molecular consequence: missense variant.
Genome position (GRCh38, 1-based): chr15:90,798,216, C>A. VCF-style: chr15-90798216-C-A. GRCh37 (hg19) VCF-style: chr15-91341446-C-A.
Other names: c.3237C>A, p.Asp1079Glu (NM_001287246.2, NM_001287247.2); c.2112C>A, p.Asp704Glu (NM_001287248.2); short protein forms D704E, D1079E.
Identifiers: ClinVar variation 1729248 (VCV001729248.2), dbSNP rs148237075, ClinGen allele CA393847155.

ClinVar aggregate classification (germline): Uncertain significance (1 of 4 stars; one submission).

Conditions:
Hereditary cancer-predisposing syndrome. Also called: Tumor predisposition; Neoplastic Syndromes, Hereditary; Hereditary Cancer Syndrome; Hereditary neoplastic syndrome. Identifiers: Orphanet 140162, MedGen C0027672, MeSH D009386, MONDO:0015356.

gnomAD v4.1: 1 of 1,608,000 alleles (0.000062%); highest among the groups gnomAD compares: Non-Finnish European, 0.000085%; no homozygotes.

Submission:

Ambry Genetics
Classification: Uncertain significance for Hereditary cancer-predisposing syndrome. Last evaluated: 2022-01-02. Review status: criteria provided, single submitter. Criteria: Ambry Variant Classification Scheme 2023. Collection method: clinical testing. Allele origin: germline.
Comment: The p.D1079E variant (also known as c.3237C>A), located in coding exon 16 of the BLM gene, results from a C to A substitution at nucleotide position 3237. The aspartic acid at codon 1079 is replaced by glutamic acid, an amino acid with highly similar properties. This amino acid position is conserved. In addition, this alteration is predicted to be tolerated by in silico analysis. Since supporting evidence is limited at this time, the clinical significance of this alteration remains unclear.